The following is an entry in ClinVar:

ClinVar aggregate classification (germline): Uncertain significance (1 of 4 stars; one submission).

Conditions:
Long QT syndrome (LQTS). Identifiers: MedGen C0023976, MeSH D008133, MONDO:0002442. Disease mechanism: loss of function. Inheritance: Various modes of inheritance.

Submission:

Labcorp Genetics (formerly Invitae), Labcorp
Classification: Uncertain significance for Long QT syndrome. Last evaluated: 2023-08-30. Review status: criteria provided, single submitter. Criteria: Invitae Variant Classification Sherloc (09022015). Collection method: clinical testing. Allele origin: germline.
Comment: In summary, the available evidence is currently insufficient to determine the role of this variant in disease. Therefore, it has been classified as a Variant of Uncertain Significance. Advanced modeling of protein sequence and biophysical properties (such as structural, functional, and spatial information, amino acid conservation, physicochemical variation, residue mobility, and thermodynamic stability) performed at Invitae indicates that this missense variant is expected to disrupt KCNQ1 protein function. ClinVar contains an entry for this variant (Variation ID: 2123173). This missense change has been observed in individual(s) with clinical features of Long QT syndrome (Invitae). This variant is not present in population databases (gnomAD no frequency). This sequence change replaces threonine, which is neutral and polar, with proline, which is neutral and non-polar, at codon 118 of the KCNQ1 protein (p.Thr118Pro).

NM_000218.3(KCNQ1):c.352A>C (p.Thr118Pro)

Gene: KCNQ1 (potassium voltage-gated channel subfamily Q member 1; plus strand). Cytogenetic location: 11p15.5.
Variant type: single nucleotide variant.
Coding change: c.352A>C on transcript NM_000218.3 (MANE Select); coding-DNA position 352, A replaced by C.
Protein change: p.Thr118Pro; replaces threonine 118 with proline.
Molecular consequence: missense variant.
Genome position (GRCh38, 1-based): chr11:2,445,450, A>C. VCF-style: chr11-2445450-A-C. GRCh37 (hg19) VCF-style: chr11-2466680-A-C.
Other names: c.352A>C, p.Thr118Pro (NM_001406836.1, NM_001406838.1); c.-11A>C (NM_001406837.1); short protein forms T118P.
Identifiers: ClinVar variation 2123173 (VCV002123173.4), dbSNP rs2496742923, ClinGen allele CA379117637.